The following is an entry in ClinVar:

ClinVar aggregate classification (germline): Uncertain significance. Review status: criteria provided, multiple submitters, no conflicts (2 of 4 stars). 4 submissions from 4 submitters: Uncertain significance (4). Last evaluated 2025-12-15.

Conditions:
MAX-related disorder. Also called: MAX-related condition.
Hereditary cancer-predisposing syndrome. Also called: Neoplastic Syndromes, Hereditary; Hereditary Cancer Syndrome; Tumor predisposition; Hereditary neoplastic syndrome. Identifiers: Orphanet 140162, MedGen C0027672, MeSH D009386, MONDO:0015356.
Hereditary pheochromocytoma and paraganglioma. Also called: Hereditary paragangliomas and pheochromocytomas; Hereditary pheochromocytoma-paraganglioma; Hereditary Paraganglioma-Pheochromocytoma Syndromes. Identifiers: Orphanet 29072, MedGen C4274332, MONDO:0017366.
Pheochromocytoma. Also called: MAX-Related Hereditary Paraganglioma-Pheochromocytoma Syndrome. Identifiers: Orphanet 29072, MedGen C0031511, MONDO:0008233, OMIM 171300, HP:0002666.

Allele frequency attached by ClinVar (database versions not stated): gnomAD exomes below 0.00001; gnomAD 0.00001; TOPMed 0.00001.
gnomAD v4.1: 2 of 1,614,056 alleles (0.00012%); highest among the groups gnomAD compares: African/African-American, 0.0027%; no homozygotes.

Submissions (4):

Labcorp Genetics (formerly Invitae), Labcorp
Classification: Uncertain significance for Hereditary pheochromocytoma and paraganglioma. Last evaluated: 2025-12-15. Review status: criteria provided, single submitter. Criteria: Invitae Variant Classification Sherloc (09022015). Collection method: clinical testing. Allele origin: germline.
Comment: This sequence change replaces leucine, which is neutral and non-polar, with arginine, which is basic and polar, at codon 111 of the MAX protein (p.Leu111Arg). This variant is present in population databases (no rsID available, gnomAD 0.007%). This variant has not been reported in the literature in individuals affected with MAX-related conditions. ClinVar contains an entry for this variant (Variation ID: 485710). An algorithm developed to predict the effect of missense changes on protein structure and function (PolyPhen-2) suggests that this variant is likely to be tolerated. In summary, the available evidence is currently insufficient to determine the role of this variant in disease. Therefore, it has been classified as a Variant of Uncertain Significance.

PreventionGenetics, part of Exact Sciences
Classification: Uncertain significance for MAX-related condition. Last evaluated: 2025-10-23. Review status: criteria provided, single submitter. Criteria: ACMG Guidelines, 2015. Collection method: clinical testing. Allele origin: germline.
Comment: The MAX c.332T>G variant is predicted to result in the amino acid substitution p.Leu111Arg. To our knowledge, this variant has not been reported in the literature. This variant is reported in 0.0062% of alleles in individuals of African descent in gnomAD and is classified as uncertain in ClinVar (Variation ID: 485710). At this time, the clinical significance of this variant is uncertain due to the absence of conclusive functional and genetic evidence.

Ambry Genetics
Classification: Uncertain significance for Hereditary cancer-predisposing syndrome. Last evaluated: 2024-06-20. Review status: criteria provided, single submitter. Criteria: Ambry Variant Classification Scheme 2023. Collection method: clinical testing. Allele origin: germline.
Comment: The p.L111R variant (also known as c.332T>G), located in coding exon 5 of the MAX gene, results from a T to G substitution at nucleotide position 332. The leucine at codon 111 is replaced by arginine, an amino acid with dissimilar properties. This amino acid position is well conserved in available vertebrate species. In addition, this alteration is predicted to be tolerated by in silico analysis. Since supporting evidence is limited at this time, the clinical significance of this alteration remains unclear.

Baylor Genetics
Classification: Uncertain significance for Pheochromocytoma. Last evaluated: 2023-11-06. Review status: criteria provided, single submitter. Criteria: ACMG Guidelines, 2015. Collection method: clinical testing. Allele origin: unknown.

NM_002382.5(MAX):c.332T>G (p.Leu111Arg)

Gene: MAX (MYC associated transcriptional regulator X; minus strand). Cytogenetic location: 14q23.3.
Variant type: single nucleotide variant.
Coding change: c.332T>G on transcript NM_002382.5 (MANE Select); coding-DNA position 332, T replaced by G.
Protein change: p.Leu111Arg; replaces leucine 111 with arginine.
Molecular consequence: missense variant. On other transcripts: 3 prime UTR variant (1), intron variant (2).
Genome position (GRCh38, 1-based): chr14:65,076,627, A>C on the plus strand (T>G on the coding strand, the complement: MAX is on the minus strand). VCF-style: chr14-65076627-A-C. GRCh37 (hg19) VCF-style: chr14-65543345-A-C.
Other names: c.305T>G, p.Leu102Arg (NM_145112.3, NM_001407095.1); c.*121T>G (NM_145113.3, NM_001407097.1, NM_001407100.1 and 4 more transcripts); c.144+17081T>G (NM_001271069.2); c.171+17081T>G (NM_197957.4); c.332T>G (NM_002382.4); c.143T>G, p.Leu48Arg (NM_001320415.2, NM_001407105.1, NM_001407106.1 and 1 more transcripts); c.332T>G, p.Leu111Arg (NM_001407094.1); c.*105T>G (NM_001407096.1, NM_001407099.1, NM_001407102.1 and 2 more transcripts); and 2 more; short protein forms L111R, L102R, L48R, L44R, L75R.
Identifiers: ClinVar variation 485710 (VCV000485710.18), dbSNP rs1477107672, ClinGen allele CA390031869.
Genomic context (GRCh38, chr14:65,076,627, plus strand): 5'-ATGGTGCTGCCCTTGGCGTTGGTGTAGAGGCTGTTGTCTGAGGAGGGGTAGTTGGTCTGC[A>C]GTTGGGCACTTGACCTCGCCTTCTCCAGTGCACGGACTAAAAGGCAACCAAGGGAGTGTG-3'
Protein context (NP_002373.3, residues 101-121): ALEKARSSAQ[Leu111Arg]QTNYPSSDNS